The following is an entry in ClinVar:

NM_001042492.3(NF1):c.7802C>G (p.Ser2601Ter)

Gene: NF1 (neurofibromin 1; plus strand). Cytogenetic location: 17q11.2.
Variant type: single nucleotide variant.
Coding change: c.7802C>G on transcript NM_001042492.3 (MANE Select); coding-DNA position 7802, C replaced by G.
Protein change: p.Ser2601Ter; replaces serine 2601 with a stop codon.
Molecular consequence: nonsense.
Genome position (GRCh38, 1-based): chr17:31,357,023, C>G. VCF-style: chr17-31357023-C-G. GRCh37 (hg19) VCF-style: chr17-29684041-C-G.
Other names: c.7739C>G, p.Ser2580Ter (NM_000267.4); short protein forms S2580*, S2601*.
Identifiers: ClinVar variation 1070508 (VCV001070508.5), dbSNP rs2070288287, ClinGen allele CA399018514.

ClinVar aggregate classification (germline): Pathogenic (1 of 4 stars; one submission).

Conditions:
Neurofibromatosis, type 1 (NF1). Also called: VON RECKLINGHAUSEN DISEASE; Peripheral type neurofibromatosis; NEUROFIBROMATOSIS, TYPE I, SOMATIC; Neurofibromatosis, type I. Identifiers: Orphanet 636, MedGen C0027831, MONDO:0018975, OMIM 162200. Disease mechanism: loss of function.

Submission:

Labcorp Genetics (formerly Invitae), Labcorp
Classification: Pathogenic for Neurofibromatosis, type 1. Last evaluated: 2024-06-22. Review status: criteria provided, single submitter. Criteria: Invitae Variant Classification Sherloc (09022015). Collection method: clinical testing. Allele origin: germline.
Comment: This sequence change creates a premature translational stop signal (p.Ser2580*) in the NF1 gene. It is expected to result in an absent or disrupted protein product. Loss-of-function variants in NF1 are known to be pathogenic (PMID: 10712197, 23913538). This variant is not present in population databases (gnomAD no frequency). This premature translational stop signal has been observed in individual(s) with clinical features of neurofibromatosis type 1 (PMID: 17426081). ClinVar contains an entry for this variant (Variation ID: 1070508). For these reasons, this variant has been classified as Pathogenic.

Literature cited by the submitters: PubMed 10712197; PubMed 23913538; PubMed 17426081.